The following is an entry in ClinVar:

NM_004453.4(ETFDH):c.409C>T (p.Pro137Ser)

Gene: ETFDH (electron transfer flavoprotein dehydrogenase; plus strand). Cytogenetic location: 4q32.1.
Variant type: single nucleotide variant.
Coding change: c.409C>T on transcript NM_004453.4 (MANE Select); coding-DNA position 409, C replaced by T.
Protein change: p.Pro137Ser; replaces proline 137 with serine.
Molecular consequence: missense variant.
Genome position (GRCh38, 1-based): chr4:158,684,595, C>T. VCF-style: chr4-158684595-C-T. GRCh37 (hg19) VCF-style: chr4-159605747-C-T.
Other names: c.268C>T, p.Pro90Ser (NM_001281737.2); c.226C>T, p.Pro76Ser (NM_001281738.1); short protein forms P76S, P90S, P137S.
Identifiers: ClinVar variation 2203582 (VCV002203582.4), dbSNP rs1773952432, ClinGen allele CA501142.

ClinVar aggregate classification (germline): Pathogenic (1 of 4 stars; one submission).

Conditions:
Multiple acyl-CoA dehydrogenase deficiency (MADD). Also called: ETHYLMALONIC-ADIPICACIDURIA; GA II; Glutaric aciduria, type 2; Glutaric acidemia type II; GA 2; Glutaric Acidemia type 2. Identifiers: Orphanet 26791, MedGen C0268596, MONDO:0009282, OMIM 231680.

Submission:

Labcorp Genetics (formerly Invitae), Labcorp
Classification: Pathogenic for Multiple acyl-CoA dehydrogenase deficiency. Last evaluated: 2022-06-13. Review status: criteria provided, single submitter. Criteria: Invitae Variant Classification Sherloc (09022015). Collection method: clinical testing. Allele origin: germline.
Comment: For these reasons, this variant has been classified as Pathogenic. Advanced modeling of protein sequence and biophysical properties (such as structural, functional, and spatial information, amino acid conservation, physicochemical variation, residue mobility, and thermodynamic stability) performed at Invitae indicates that this missense variant is expected to disrupt ETFDH protein function. This missense change has been observed in individual(s) with multiple Acyl-CoA dehydrogenase deficiency (PMID: 19265687). In at least one individual the data is consistent with being in trans (on the opposite chromosome) from a pathogenic variant. It has also been observed to segregate with disease in related individuals. This variant is not present in population databases (gnomAD no frequency). This sequence change replaces proline, which is neutral and non-polar, with serine, which is neutral and polar, at codon 137 of the ETFDH protein (p.Pro137Ser).

Literature cited by the submitters: PubMed 19265687.